The following is an entry in ClinVar:

NM_000186.4(CFH):c.3620T>G (p.Leu1207Arg)

Gene: CFH (complement factor H; plus strand). Cytogenetic location: 1q31.3.
Variant type: single nucleotide variant.
Coding change: c.3620T>G on transcript NM_000186.4 (MANE Select); coding-DNA position 3620, T replaced by G.
Protein change: p.Leu1207Arg; replaces leucine 1207 with arginine.
Molecular consequence: missense variant.
Genome position (GRCh38, 1-based): chr1:196,747,237, T>G. VCF-style: chr1-196747237-T-G. GRCh37 (hg19) VCF-style: chr1-196716367-T-G.
Other names: short protein forms L1207R.
Identifiers: ClinVar variation 4291631 (VCV004291631.1).

ClinVar aggregate classification (germline): Uncertain significance (1 of 4 stars; one submission).

Conditions:
Atypical hemolytic-uremic syndrome. Identifiers: Orphanet 2134, MedGen C2931788, MONDO:0016244.
Basal laminar drusen. Also called: DRUSEN OF BRUCH MEMBRANE; DRUSEN, CUTICULAR; DRUSEN, EARLY ADULT-ONSET, GROUPED. Identifiers: Orphanet 75376, MedGen C0730295, MONDO:0007472, OMIM 126700.
Factor H deficiency (CFHD). Also called: COMPLEMENT FACTOR H DEFICIENCY; CFH DEFICIENCY. Identifiers: Orphanet 200421, MedGen C0398777, MONDO:0012350, OMIM 609814.
Age related macular degeneration 4. Identifiers: MedGen C1853147, MONDO:0012540, OMIM 610698.

Submission:

Genomenon, Inc
Classification: Uncertain significance for Basal laminar drusen; Age related macular degeneration 4; Atypical hemolytic-uremic syndrome; Factor H deficiency. Last evaluated: 2025-10-02. Review status: criteria provided, single submitter. Criteria: Genomenon Sequence Variant Interpretation Standards - Updated. Collection method: curation. Allele origin: germline. Affected: no.
Comment: CFH p.Leu1207Arg (c.3620T>G) is a missense variant that changes the amino acid at residue 1207 from Leucine to Arginine. This variant has been reported in the published literature (PMID:17089378). It is absent or not present at a significant frequency in gnomAD. In silico models agree that this variant is not damaging. In conclusion, we classify CFH p.Leu1207Arg (c.3620T>G) as a variant of uncertain significance.

Literature cited by the submitters: PubMed 17089378.